The following is an entry in ClinVar:

ClinVar aggregate classification (germline): Conflicting classifications of pathogenicity. Review status: criteria provided, conflicting classifications (1 of 4 stars). 9 submissions from 9 submitters: Uncertain significance (8); Likely benign (1). Last evaluated 2025-12-08.

Conditions:
TPM1-related disorder. Also called: TPM1-related condition.
Cardiovascular phenotype. Identifiers: MedGen CN230736.
Hypertrophic cardiomyopathy 3. Also called: TPM1-Related Familial Hypertrophic Cardiomyopathy. Identifiers: MedGen C1861863, MONDO:0007267, OMIM 115196.
Dilated cardiomyopathy 1Y (CMD1Y). Identifiers: Orphanet 154, Orphanet 54260, MedGen C2678476, MONDO:0012744, OMIM 611878.
Cardiomyopathy (CMYO). Also called: Cardiomyopathies. Identifiers: Orphanet 167848, MedGen C0878544, MONDO:0004994, HP:0001638. Inheritance: Various modes of inheritance.
Hypertrophic cardiomyopathy. Also called: HYPERTROPHIC MYOCARDIOPATHY. Identifiers: Orphanet 217569, MedGen C0007194, MeSH D002312, MONDO:0005045, HP:0001639.

Allele frequency attached by ClinVar (database versions not stated): gnomAD exomes 0.00001 and 0.00002; ExAC 0.00003; TOPMed 0.00011; ESP Exome Variant Server 0.00008; gnomAD 0.00009.
gnomAD v4.1: 27 of 1,613,872 alleles (0.0017%); highest among the groups gnomAD compares: African/African-American, 0.025%; no homozygotes.

Submissions (9):

Labcorp Genetics (formerly Invitae), Labcorp
Classification: Uncertain significance for Hypertrophic cardiomyopathy. Last evaluated: 2025-12-08. Review status: criteria provided, single submitter. Criteria: Invitae Variant Classification Sherloc (09022015). Collection method: clinical testing. Allele origin: germline.
Comment: This sequence change replaces alanine, which is neutral and non-polar, with threonine, which is neutral and polar, at codon 277 of the TPM1 protein (p.Ala277Thr). This variant is present in population databases (rs149659674, gnomAD 0.02%). This missense change has been observed in individual(s) with dilated cardiomyopathy, hypertrophic cardiomyopathy (PMID: 32880476, 37652022). ClinVar contains an entry for this variant (Variation ID: 43442). An algorithm developed to predict the effect of missense changes on protein structure and function (PolyPhen-2) suggests that this variant is likely to be tolerated. In summary, the available evidence is currently insufficient to determine the role of this variant in disease. Therefore, it has been classified as a Variant of Uncertain Significance.

Color Diagnostics, LLC DBA Color Health
Classification: Likely benign for Cardiomyopathy. Last evaluated: 2025-09-30. Review status: criteria provided, single submitter. Criteria: ACMG Guidelines, 2015. Collection method: clinical testing. Allele origin: germline.

PreventionGenetics, part of Exact Sciences
Classification: Uncertain significance for TPM1-related condition. Last evaluated: 2025-04-16. Review status: criteria provided, single submitter. Criteria: ACMG Guidelines, 2015. Collection method: clinical testing. Allele origin: germline.
Comment: The TPM1 c.721G>A variant is predicted to result in the amino acid substitution p.Ala241Thr. This variant, alternatively referred to as c.829G>A p.Ala277Thr in the literature, has been reported in multiple individuals with hypertrophic or dilated cardiomyopathy (Supp Table 3, Verdonschot et al. 2020. PubMed ID: 32880476; Table S8, McGurk et al. 2023. PubMed ID: 37652022; Rippert et al. 2023. DOI:10.1155/2023/8892833; Table2, Stroeks et al. 2021. PubMed ID: 34194005). This variant has been reported to segregate with disease in two separate families; however, the details were limited (Verdonschot et al. 2020. PubMed ID: 32880476). An alternate missense change at the same amino acid (p.Ala241Val) has been reported in individuals with dilated cardiomyopathy (Hershberger et al. 2010. PubMed ID: 20215591; Lian et al. 2023. PubMed ID: 37461109). This variant is reported in 0.020% of alleles in individuals of African descent in gnomAD and is interpreted as uncertain in ClinVar. At this time, the clinical significance of this variant is uncertain due to the absence of conclusive functional and genetic evidence.

Mayo Clinic Laboratories, Mayo Clinic
Classification: Uncertain significance. Last evaluated: 2025-01-07. Review status: criteria provided, single submitter. Criteria: ACMG Guidelines, 2015. Collection method: clinical testing. Allele origin: germline. Observed: 1 variant allele.
Comment: BS1

GeneDx
Classification: Uncertain significance. Last evaluated: 2024-06-28. Review status: criteria provided, single submitter. Criteria: GeneDx Variant Classification Process June 2021. Collection method: clinical testing. Allele origin: germline. Affected: yes.
Comment: In silico analysis indicates that this missense variant does not alter protein structure/function; This variant is associated with the following publications: (PMID: 34699384, 34194005, 32880476)

All of Us Research Program, National Institutes of Health
Classification: Uncertain significance for Hypertrophic cardiomyopathy. Last evaluated: 2023-11-20. Review status: criteria provided, single submitter. Criteria: ACMG Guidelines, 2015. Collection method: clinical testing. Allele origin: germline. Inheritance: Autosomal dominant inheritance. Observed: 6 variant alleles, 6 heterozygotes.
Comment: This missense variant replaces alanine with threonine at codon 277 of the TPM1 protein. Computational prediction suggests that this variant may not impact protein structure and function (internally defined REVEL score threshold <= 0.5, PMID: 27666373). To our knowledge, functional studies have not been reported for this variant. This variant has been reported in individuals affected with hypertrophic cardiomyopathy (PMID: 27532257) and dilated cardiomyopathy (PMID: 32880476). This variant has been identified in 8/282436 chromosomes in the general population by the Genome Aggregation Database (gnomAD). The available evidence is insufficient to determine the role of this variant in disease conclusively. Therefore, this variant is classified as a Variant of Uncertain Significance.

This study involves interpretation of variants in research participants for the purpose of population health screening. Participant phenotype was not available at the time of variant classification. Additional details can be found in publication PMID: 35346344, PMCID: PMC8962531

Ambry Genetics
Classification: Uncertain significance for Cardiovascular phenotype. Last evaluated: 2023-08-26. Review status: criteria provided, single submitter. Criteria: Ambry General Variant Classification Scheme_2022. Collection method: clinical testing. Allele origin: germline.
Comment: The p.A277T variant (also known as c.829G>A), located in coding exon 9 of the TPM1 gene, results from a G to A substitution at nucleotide position 829. The alanine at codon 277 is replaced by threonine, an amino acid with similar properties. This variant has been reported in hypertrophic and dilated cardiomyopathy cohorts, but clinical details were limited (Alfares AA et al. Genet Med, 2015 Nov;17:880-8; Stroeks SLVM et al. Genet Med, 2021 Nov;23:2186-2193). This amino acid position is highly conserved in available vertebrate species. In addition, the in silico prediction for this alteration is inconclusive. Since supporting evidence is limited at this time, the clinical significance of this alteration remains unclear.

Fulgent Genetics
Classification: Uncertain significance for Hypertrophic cardiomyopathy 3; Dilated cardiomyopathy 1Y. Last evaluated: 2021-09-03. Review status: criteria provided, single submitter. Criteria: ACMG Guidelines, 2015. Collection method: clinical testing. Allele origin: unknown.

Laboratory for Molecular Medicine, Mass General Brigham Personalized Medicine
Classification: Uncertain significance. Last evaluated: 2012-10-31. Review status: criteria provided, single submitter. Criteria: LMM Criteria. Collection method: clinical testing. Allele origin: germline. Observed: 2 variant alleles.
Comment: Variant classified as Uncertain Significance - Favor Benign. The Ala277Thr varia nt in TPM1 has not been reported in the literature. Alanine (Ala) at position 277 is not well conserve d in evolution with several species carrying the mutant amino acid (threonine). This suggests that this variant is tolerated but is insufficient to rule out a role in disease. Additional information is needed to fully assess the clinical s ignificance of the Ala277Thr variant.

Literature cited by the submitters: PubMed 32880476 (cited by 3 submitters); PubMed 37652022 (cited by Labcorp Genetics (formerly Invitae), Labcorp and Mayo Clinic Laboratories, Mayo Clinic); PubMed 25611685 (cited by Mayo Clinic Laboratories, Mayo Clinic and Ambry Genetics); PubMed 27532257 (cited by Mayo Clinic Laboratories, Mayo Clinic and All of Us Research Program, National Institutes of Health); PubMed 34194005 (cited by Mayo Clinic Laboratories, Mayo Clinic and Ambry Genetics); PubMed 34699384 (cited by Mayo Clinic Laboratories, Mayo Clinic); PubMed 38874371 (cited by Mayo Clinic Laboratories, Mayo Clinic).

NM_001018005.2(TPM1):c.829G>A (p.Ala277Thr)

Gene: TPM1 (tropomyosin 1; plus strand). Cytogenetic location: 15q22.2.
Variant type: single nucleotide variant.
Coding change: c.829G>A on transcript NM_001018005.2 (MANE Select); coding-DNA position 829, G replaced by A.
Protein change: p.Ala277Thr; replaces alanine 277 with threonine.
Molecular consequence: missense variant. On other transcripts: intron variant (12).
Genome position (GRCh38, 1-based): chr15:63,064,120, G>A. VCF-style: chr15-63064120-G-A. GRCh37 (hg19) VCF-style: chr15-63356319-G-A.
Other names: c.829G>A, p.Ala277Thr (NM_000366.6, NM_001301244.2, NM_001365779.1); c.721G>A, p.Ala241Thr (NM_001330346.2, NM_001365781.2, NM_001365782.1); c.898+1475G>A (NM_001365778.1); c.772+1475G>A (NM_001018020.2, NM_001018007.2, NM_001018006.2 and 3 more transcripts); c.664+1475G>A (NM_001330351.2, NM_001330344.2, NM_001018008.2 and 2 more transcripts); short protein forms A277T, A241T.
Identifiers: ClinVar variation 43442 (VCV000043442.21), dbSNP rs149659674, ClinGen allele CA018371.